The following is an entry in ClinVar:

ClinVar aggregate classification (germline): Uncertain significance (1 of 4 stars; one submission).

Conditions:
Microcephaly, normal intelligence and immunodeficiency (NBS). Also called: Nijmegen breakage syndrome; Microcephaly with normal intelligence immunodeficiency and lymphoreticular malignancies; Nonsyndromal microcephaly autosomal recessive with normal intelligence; Seemanova syndrome 2; Immunodeficiency, microcephaly with normal intelligence; Ataxia telangiectasia variant V1. Identifiers: Orphanet 647, MedGen C0398791, MONDO:0009623, OMIM 251260.

Submission:

Labcorp Genetics (formerly Invitae), Labcorp
Classification: Uncertain significance for Microcephaly, normal intelligence and immunodeficiency. Last evaluated: 2025-11-10. Review status: criteria provided, single submitter. Criteria: Invitae Variant Classification Sherloc (09022015). Collection method: clinical testing. Allele origin: germline.
Comment: This sequence change replaces lysine, which is basic and polar, with glutamic acid, which is acidic and polar, at codon 533 of the NBN protein (p.Lys533Glu). This variant is not present in population databases (gnomAD no frequency). This variant has not been reported in the literature in individuals affected with NBN-related conditions. ClinVar contains an entry for this variant (Variation ID: 2967813). An algorithm developed to predict the effect of missense changes on protein structure and function (PolyPhen-2) suggests that this variant is likely to be tolerated. In summary, the available evidence is currently insufficient to determine the role of this variant in disease. Therefore, it has been classified as a Variant of Uncertain Significance.

NM_002485.5(NBN):c.1597A>G (p.Lys533Glu)

Gene: NBN (nibrin; minus strand). Cytogenetic location: 8q21.3.
Variant type: single nucleotide variant.
Coding change: c.1597A>G on transcript NM_002485.5 (MANE Select); coding-DNA position 1597, A replaced by G.
Protein change: p.Lys533Glu; replaces lysine 533 with glutamic acid.
Molecular consequence: missense variant.
Genome position (GRCh38, 1-based): chr8:89,953,492, T>C on the plus strand (A>G on the coding strand, the complement: NBN is on the minus strand). VCF-style: chr8-89953492-T-C. GRCh37 (hg19) VCF-style: chr8-90965720-T-C.
Other names: c.1351A>G, p.Lys451Glu (NM_001024688.3); short protein forms K451E, K533E.
Identifiers: ClinVar variation 2967813 (VCV002967813.3), dbSNP rs2488232022, ClinGen allele CA371655517.
Genomic context (GRCh38, chr8:89,953,492, plus strand): 5'-TTTCCCTTTTTTTATTTGATCTTAGCTTTTCTGCAGCATGAGATTTACTGGCAGAATTTT[T>C]CACAATAGATTTTAAATCTGTATCTGTAAATAAGTTATTGTCTGAGTTTGTGTCCACAGG-3'
Protein context (NP_002476.2, residues 523-543): FTDTDLKSIV[Lys533Glu]NSASKSHAAE